The following is an entry in ClinVar:

ClinVar aggregate classification (germline): Pathogenic (1 of 4 stars; one submission).

Submission:

Labcorp Genetics (formerly Invitae), Labcorp
Classification: Pathogenic. Last evaluated: 2023-10-05. Review status: criteria provided, single submitter. Criteria: Invitae Variant Classification Sherloc (09022015). Collection method: clinical testing. Allele origin: germline.
Comment: This sequence change creates a premature translational stop signal (p.Trp168Hisfs*11) in the TBCE gene. It is expected to result in an absent or disrupted protein product. Loss-of-function variants in TBCE are known to be pathogenic (PMID: 27666369, 34134906, 34356170). This variant is not present in population databases (gnomAD no frequency). This variant has not been reported in the literature in individuals affected with TBCE-related conditions. For these reasons, this variant has been classified as Pathogenic.

Literature cited by the submitters: PubMed 27666369; PubMed 34134906; PubMed 34356170.

NM_003193.5(TBCE):c.500_501insCCATGATGAAAAACCTGTTGTCATC (p.Trp168fs)

Gene: TBCE (tubulin folding cofactor E; plus strand). Cytogenetic location: 1q42.3.
Variant type: Microsatellite.
Coding change: c.500_501insCCATGATGAAAAACCTGTTGTCATC on transcript NM_003193.5 (MANE Select); coding-DNA positions 500 to 501, CCATGATGAAAAACCTGTTGTCATC inserted.
Protein change: p.Trp168fs; shifts the reading frame from tryptophan 168.
Molecular consequence: frameshift variant.
Genome position: GRCh38 VCF-style: chr1-235427162-A-AAAAAACCTGTTGTCATCCCATGATG. GRCh37 (hg19) VCF-style: chr1-235590477-A-AAAAAACCTGTTGTCATCCCATGATG.
Other names: c.500_501insCCATGATGAAAAACCTGTTGTCATC, p.Trp168fs (NM_001079515.3, NM_001287801.2); c.161_162insCCATGATGAAAAACCTGTTGTCATC, p.Trp55fs (NM_001287802.2); short protein forms W168fs, W55fs.
Identifiers: ClinVar variation 2839180 (VCV002839180.3), dbSNP rs2526997302.
Genomic context (GRCh38, chr1:235,427,162, plus strand): 5'-ATCTTTTGAAATTACTGTTTCTTAACATGTGCTTTTAGATATCAGAAAGGTAGATTTGTC[A>AAAAAACCTGTTGTCATCCCATGATG]AAAAACCTGTTGTCATCATGGGATGAAGTGATACACATTGCTGATCAGCTCAGACACCTG-3'